The following is an entry in ClinVar:

NM_000051.4(ATM):c.7928-20C>T

Genes: ATM (ATM serine/threonine kinase; plus strand), C11orf65 (chromosome 11 open reading frame 65; minus strand). Cytogenetic location: 11q22.3.
Variant type: single nucleotide variant.
Coding change: c.7928-20C>T on transcript NM_000051.4 (MANE Select); 20 bases into the intron before coding-DNA position 7928, C replaced by T.
Molecular consequence: intron variant.
Genome position (GRCh38, 1-based): chr11:108,333,866, C>T. VCF-style: chr11-108333866-C-T. GRCh37 (hg19) VCF-style: chr11-108204593-C-T.
Other names: c.7928-20C>T (NM_001351834.2); c.641-24795G>A (NM_001330368.2); c.*38+1354G>A (NM_001351110.2).
Identifiers: ClinVar variation 3253886 (VCV003253886.1), dbSNP rs1294380732.
Genomic context (GRCh38, chr11:108,333,866, plus strand): 5'-GGTATCTGCTGACTATTCCTGCTTGACCTTCAATGCTGTTCCTCAGTTTGTCACTAAAAT[C>T]TCTTCATTTTTAAATACAGAAGGCATAAATATTCCAGCAGACCAGCCAATTACTAAACTT-3'

ClinVar aggregate classification (germline): Likely benign (1 of 4 stars; one submission).

Conditions:
Familial cancer of breast. Also called: hereditary breast carcinoma; BREAST CANCER, FAMILIAL; Hereditary breast cancer. Identifiers: Orphanet 227535, MedGen C0346153, MONDO:0016419, OMIM 114480. Disease mechanism: loss of function.

Allele frequency attached by ClinVar (database versions not stated): gnomAD exomes below 0.00001.
gnomAD v4.1: 6 of 1,565,482 alleles (0.00038%); highest among the groups gnomAD compares: Non-Finnish European, 0.00044%; no homozygotes.

Submission:

Myriad Genetics, Inc.
Classification: Likely benign for Familial cancer of breast. Last evaluated: 2024-06-17. Review status: criteria provided, single submitter. Criteria: Myriad Autosomal Dominant, Autosomal Recessive and X-Linked Classification Criteria (2023). Collection method: clinical testing. Allele origin: unknown.
Comment: This variant is considered likely benign. This variant is intronic and is not expected to impact mRNA splicing.